The following is an entry in ClinVar:

NM_182931.3(KMT2E):c.4650A>G (p.Pro1550=)

Gene: KMT2E (lysine methyltransferase 2E (inactive); plus strand). Cytogenetic location: 7q22.3.
Variant type: single nucleotide variant.
Coding change: c.4650A>G on transcript NM_182931.3 (MANE Select); coding-DNA position 4650, A replaced by G.
Protein change: p.Pro1550=; no amino-acid change (proline 1550 retained).
Molecular consequence: synonymous variant.
Genome position (GRCh38, 1-based): chr7:105,112,406, A>G. VCF-style: chr7-105112406-A-G. GRCh37 (hg19) VCF-style: chr7-104752853-A-G.
Other names: c.4524A>G, p.Pro1508= (NM_001410908.1); c.4650A>G, p.Pro1550= (NM_018682.4).
Identifiers: ClinVar variation 3778431 (VCV003778431.7).

ClinVar aggregate classification (germline): Likely benign (1 of 4 stars; one submission).

Submission:

CeGaT Center for Human Genetics Tuebingen
Classification: Likely benign. Last evaluated: 2025-03-01. Review status: criteria provided, single submitter. Criteria: CeGaT Center For Human Genetics Tuebingen Variant Classification Criteria Version 2. Collection method: clinical testing. Allele origin: germline. Affected: yes. Observed: 1 variant allele.
Comment: KMT2E: BP4, BP7